The following is an entry in ClinVar:

ClinVar aggregate classification (germline): Conflicting classifications of pathogenicity. Review status: criteria provided, conflicting classifications (1 of 4 stars). 11 submissions from 11 submitters: Uncertain significance (5); Benign (1); Likely benign (2). 3 of the submissions do not count toward it. Last evaluated 2026-08-08.

Conditions:
Type IV short rib polydactyly syndrome (SRTD12). Also called: Beemer-Langer syndrome; Short rib-polydactyly syndrome type 4; SRPS type 4; Short rib-polydactyly syndrome Beemer type; SHORT RIB SYNDROME, BEEMER TYPE; SRPS IV. Identifiers: Orphanet 93268, MedGen C0432198, MONDO:0010024, OMIM 269860.
Jeune thoracic dystrophy. Also called: Short-rib thoracic dysplasia; Jeune syndrome; Infantile thoracic dystrophy; Thoracic pelvic phalangeal dystrophy; Jeune's syndrome; Chondroectodermal dysplasia-like syndrome. Identifiers: Orphanet 474, MedGen C0265275, MONDO:0018770.
Asphyxiating thoracic dystrophy 3. Also called: Short rib polydactyly syndrome 2B; SHORT-RIB THORACIC DYSPLASIA 3 WITH OR WITHOUT POLYDACTYLY; POLYDACTYLY WITH NEONATAL CHONDRODYSTROPHY, TYPE I; SHORT-RIB THORACIC DYSPLASIA 3/6 WITH POLYDACTYLY, DIGENIC; Saldino-Noonan Syndrome. Identifiers: Orphanet 474, Orphanet 93269, Orphanet 93270, Orphanet 93271, MedGen C0036069, MONDO:0013127, OMIM 613091.

Allele frequency attached by ClinVar (database versions not stated): 1000 Genomes Project 0.00040; 1000 Genomes Project 30x 0.00047; ExAC 0.00061; gnomAD exomes 0.00078 and 0.00139; gnomAD 0.00086 and 0.00090; TOPMed 0.00092; ESP Exome Variant Server 0.00108.
gnomAD v4.1: 2,181 of 1,613,562 alleles (0.14%); highest among the groups gnomAD compares: Non-Finnish European, 0.17%; 2 homozygotes.

Submissions (11):

GeneDx
Classification: Uncertain significance. Last evaluated: 2026-08-08. Review status: criteria provided, single submitter. Criteria: GeneDx Variant Classification Process June 2021. Collection method: clinical testing. Allele origin: germline.
Comment: Reported with another variant in trans in a family with recurrent pregnancy loss (PMID: 26826164); Reported as heterozygous with a benign variant in the EVC2 gene in a neonate with short-rib polydactyly syndrome in the literature (PMID: 29068549); In silico analysis suggests that this missense variant does not alter protein structure/function; This variant is associated with the following publications: (PMID: 29068549, 26826164, 38139401)

Women's Health and Genetics/Laboratory Corporation of America, LabCorp
Classification: Uncertain significance. Last evaluated: 2026-02-16. Review status: criteria provided, single submitter. Criteria: LabCorp Variant Classification Summary - May 2015. Collection method: clinical testing. Allele origin: germline.
Comment: Variant summary: DYNC2H1 c.6047A>G (p.Tyr2016Cys) results in a non-conservative amino acid change located in the AAA+ ATPase domain (IPR003593) of the encoded protein sequence. Algorithms developed to predict the effect of missense changes on protein structure and function are either unavailable or do not agree on the potential impact of this missense change. The variant allele was found at a frequency of 0.00078 in 248512 control chromosomes. This frequency is not significantly higher than estimated for disease-causing variants in DYNC2H1, allowing no conclusion about variant significance. c.6047A>G has been observed in at least one individual affected with skeletal ciliopathy (Zhang_2017) and one family tested for recurrent early pregnancy loss (Qiao_2016). These report(s) do not provide unequivocal conclusions about association of the variant with Short-rib thoracic dysplasia. To our knowledge, no experimental evidence demonstrating an impact on protein function has been reported. The following publications have been ascertained in the context of this evaluation (PMID: 29068549, 26826164). ClinVar contains an entry for this variant (Variation ID: 216490). Based on the evidence outlined above, the variant was classified as uncertain significance.

Labcorp Genetics (formerly Invitae), Labcorp
Classification: Likely benign for Jeune thoracic dystrophy. Last evaluated: 2026-01-25. Review status: criteria provided, single submitter. Criteria: Invitae Variant Classification Sherloc (09022015). Collection method: clinical testing. Allele origin: germline.

CeGaT Center for Human Genetics Tuebingen
Classification: Likely benign. Last evaluated: 2025-04-01. Review status: criteria provided, single submitter. Criteria: CeGaT Center For Human Genetics Tuebingen Variant Classification Criteria Version 2. Collection method: clinical testing. Allele origin: germline. Affected: yes. Observed: 1 variant allele.
Comment: DYNC2H1: BS2

Blueprint Genetics
Classification: Benign. Last evaluated: 2024-09-09. Review status: criteria provided, single submitter. Criteria: ACMG Guidelines, 2015. Collection method: clinical testing. Allele origin: germline.

ARUP Laboratories, Molecular Genetics and Genomics, ARUP Laboratories
Classification: Uncertain significance for Asphyxiating thoracic dystrophy 3. Last evaluated: 2023-08-18. Review status: criteria provided, single submitter. Criteria: ARUP Molecular Germline Variant Investigation Process 2024. Collection method: clinical testing. Allele origin: germline.
Comment: The DYNC2H1 c.6047A>G; p.Tyr2016Cys variant (rs200190291) has been described in the compound heterozygous state in one family with recurrent early pregnancy loss and in one individual with short-rib thoracic dysplasia type IV (Qiao 2016, Zhang 2018). It is reported in ClinVar (Variation ID: 216490) and is observed in the general population at an overall frequency of 0.079% (221/279,910 alleles) in the Genome Aggregation Database. Computational analyses predict that this variant is neutral (REVEL: 0.047). Due to limited information regarding this variant, its clinical significance cannot be determined with certainty. References: Qiao Y et al. Whole exome sequencing in recurrent early pregnancy loss. Mol Hum Reprod. 2016 May;22(5):364-72. PubMed: 26826164. Zhang W et al. Expanding the genetic architecture and phenotypic spectrum in the skeletal ciliopathies. Hum Mutat. 2018 Jan;39(1):152-166. PubMed: 29068549.

Fulgent Genetics
Classification: Uncertain significance for Asphyxiating thoracic dystrophy 3. Last evaluated: 2022-02-11. Review status: criteria provided, single submitter. Criteria: ACMG Guidelines, 2015. Collection method: clinical testing. Allele origin: unknown.

Illumina Laboratory Services, Illumina
Classification: Uncertain significance for Asphyxiating thoracic dystrophy 3. Last evaluated: 2017-10-08. Review status: criteria provided, single submitter. Criteria: ICSL Variant Classification Criteria 13 December 2019. Collection method: clinical testing. Allele origin: germline.
Comment: This variant was observed as part of a predisposition screen in an ostensibly healthy population. A literature search was performed for the gene, cDNA change, and amino acid change (where applicable). Publications were found based on this search. However, the evidence from the literature, in combination with allele frequency data from public databases where available, was not sufficient to rule this variant in or out of causing disease. Therefore, this variant is classified as a variant of unknown significance.

Dan Cohn Lab, University Of California Los Angeles
Classification: Pathogenic for Type IV short rib polydactyly syndrome. Last evaluated: 2017-06-01. Review status: no assertion criteria provided. Collection method: research. Allele origin: unknown. Affected: yes. Not counted in ClinVar's aggregate classification.

Department of Pathology and Laboratory Medicine, Sinai Health System
Classification: Uncertain significance. Review status: no assertion criteria provided. Collection method: clinical testing. Allele origin: unknown. Affected: yes. Study: The Canadian Open Genetics Repository (COGR). Not counted in ClinVar's aggregate classification.
Comment: The variant was also identified in dbSNP (ID: rs200190291) and in ClinVar (classified as a VUS by Invitae, GeneDx and ARUP and as pathogenic by the Dan Cohn lab at UCLA) but was not identified in Cosmic or LOVD 3.0. The variant was identified in control databases in 221 of 279910 chromosomes at a frequency of 0.00079 increasing the likelihood this could be a low frequency benign variant (Genome Aggregation Database Feb 27, 2017). The variant was observed in the following populations: Latino in 47 of 35140 chromosomes (freq: 0.001338), European (non-Finnish) in 151 of 128142 chromosomes (freq: 0.001178), Other in 8 of 7106 chromosomes (freq: 0.001126), African in 10 of 24174 chromosomes (freq: 0.000414) and European (Finnish) in 5 of 25018 chromosomes (freq: 0.0002); it was not observed in the Ashkenazi Jewish, East Asian, and South Asian populations. The p.Tyr2016 residue is not conserved in mammals and computational analyses (PolyPhen-2, SIFT, AlignGVGD, BLOSUM, MutationTaster) provide inconsistent predictions regarding the impact to the protein; this information is not very predictive of pathogenicity. The variant occurs outside of the splicing consensus sequence and in silico or computational prediction software programs (SpliceSiteFinder, MaxEntScan, NNSPLICE, GeneSplicer) do not predict a difference in splicing. In summary, based on the above information the clinical significance of this variant cannot be determined with certainty at this time. This variant is classified as a variant of uncertain significance.

University of Washington Center for Mendelian Genomics, University of Washington
Classification: Likely pathogenic for short-rib polydactyly syndrome type IV. Review status: no assertion criteria provided. Collection method: research. Allele origin: inherited. Affected: yes. Not counted in ClinVar's aggregate classification.

Literature cited by the submitters: PubMed 29068549 (cited by 3 submitters); PubMed 26826164 (cited by Women's Health and Genetics/Laboratory Corporation of America, LabCorp and Illumina Laboratory Services, Illumina).

NM_001377.3(DYNC2H1):c.6047A>G (p.Tyr2016Cys)

Gene: DYNC2H1 (dynein cytoplasmic 2 heavy chain 1; plus strand). Cytogenetic location: 11q22.3.
Variant type: single nucleotide variant.
Coding change: c.6047A>G on transcript NM_001377.3 (MANE Select); coding-DNA position 6047, A replaced by G.
Protein change: p.Tyr2016Cys; replaces tyrosine 2016 with cysteine.
Molecular consequence: missense variant.
Genome position (GRCh38, 1-based): chr11:103,177,728, A>G. VCF-style: chr11-103177728-A-G. GRCh37 (hg19) VCF-style: chr11-103048457-A-G.
Other names: c.6047A>G, p.Tyr2016Cys (NM_001080463.2); short protein forms Y2016C.
Identifiers: ClinVar variation 216490 (VCV000216490.41), dbSNP rs200190291, ClinGen allele CA337424.